The following is an entry in ClinVar:

NM_002074.5(GNB1):c.498-2A>G

Gene: GNB1 (G protein subunit beta 1; minus strand). Cytogenetic location: 1p36.33.
Variant type: single nucleotide variant.
Coding change: c.498-2A>G on transcript NM_002074.5 (MANE Select); the canonical splice acceptor site of the intron before coding-DNA position 498, A replaced by G.
Molecular consequence: splice acceptor variant.
Genome position (GRCh38, 1-based): chr1:1,790,598, T>C on the plus strand (A>G on the coding strand, the complement: GNB1 is on the minus strand). VCF-style: chr1-1790598-T-C. GRCh37 (hg19) VCF-style: chr1-1722037-T-C.
Other names: c.498-2A>G (NM_001282539.2); c.198-2A>G (NM_001282538.2).
Identifiers: ClinVar variation 2442801 (VCV002442801.3), dbSNP rs2522267389, ClinGen allele CA337907252.
Genomic context (GRCh38, chr1:1,790,598, plus strand): 5'-CTCCAGTGTGTCCGGTAAACGTGGTCGTCTGCTGGCCGGTCTCGATGTCCCACAGGGCAC[T>C]GGAGCAGGAGCGAATGACAAGGGGACATCAGCCTTAACTTCTTGGGTGGCTAGTCATGTG-3'

ClinVar aggregate classification (germline): Likely pathogenic. Review status: criteria provided, multiple submitters, no conflicts (2 of 4 stars). 2 submissions from 2 submitters: Likely pathogenic (2). Last evaluated 2024-05-30.

Conditions:
Intellectual developmental disorder, autosomal dominant 42. Also called: GNB1 Encephalopathy; Intellectual disability, autosomal dominant 42; Global developmental delay-neuro-ophthalmological abnormalities-seizures-intellectual disability syndrome. Identifiers: Orphanet 488613, MedGen C4310774, MONDO:0014855, OMIM 616973.
Autosomal dominant non-syndromic intellectual disability. Identifiers: Orphanet 178469, MedGen C5680502, MONDO:0015802.

Submissions (2):

Genetics Laboratory, UDIAT-Centre Diagnòstic, Hospital Universitari Parc Tauli
Classification: Likely pathogenic for intellectual disability, autosomal dominant 42. Last evaluated: 2024-05-30. Review status: criteria provided, single submitter. Criteria: ACMG Guidelines, 2015. Collection method: clinical testing. Allele origin: unknown. Inheritance: Autosomal dominant inheritance. Affected: yes.
Comment: PVS1_very strong;PM2_supporting

Institute of Medical Genetics and Applied Genomics, University Hospital Tübingen
Classification: Likely pathogenic for Autosomal dominant non-syndromic intellectual disability. Last evaluated: 2023-10-12. Review status: criteria provided, single submitter. Criteria: ACMG Guidelines, 2015. Collection method: clinical testing. Allele origin: de novo. Inheritance: Autosomal dominant inheritance. Affected: yes.